The following is an entry in ClinVar:

ClinVar aggregate classification (germline): Uncertain significance (1 of 4 stars; one submission).

Conditions:
Progressive myoclonic epilepsy type 3. Also called: EPILEPSY, PROGRESSIVE MYOCLONIC, 3, WITHOUT INTRACELLULAR INCLUSIONS; EPILEPSY, PROGRESSIVE MYOCLONIC, 3, WITH OR WITHOUT INTRACELLULAR INCLUSIONS; CEROID LIPOFUSCINOSIS, NEURONAL, 14; KCTD7-Related Progressive Myoclonic Epilepsy. Identifiers: Orphanet 263516, MedGen C2673257, MONDO:0012721, OMIM 611726.

gnomAD v4.1: 2 of 1,614,210 alleles (0.00012%); highest among the groups gnomAD compares: Non-Finnish European, 0.00017%; no homozygotes.

Submission:

3billion
Classification: Uncertain significance for Progressive myoclonic epilepsy type 3. Last evaluated: 2024-08-14. Review status: criteria provided, single submitter. Criteria: ACMG Guidelines, 2015. Collection method: clinical testing. Allele origin: germline. Affected: yes.
Comment: The variant is observed at an extremely low frequency in the gnomAD v4.0.0 dataset (total allele frequency: <0.001%). Predicted Consequence/Location: Missense variant Different missense changes at the same codon (p.Pro201Thr, p.Pro201Arg) have been reported as of uncertain significance (ClinVar ID: VCV001396450, VCV001041988) Therefore, this variant is classified as VUS according to the recommendation of ACMG/AMP guideline.

NM_153033.5(KCTD7):c.602C>A (p.Pro201His)

Gene: KCTD7 (potassium channel tetramerization domain containing 7; plus strand). Cytogenetic location: 7q11.21.
Variant type: single nucleotide variant.
Coding change: c.602C>A on transcript NM_153033.5 (MANE Select); coding-DNA position 602, C replaced by A.
Protein change: p.Pro201His; replaces proline 201 with histidine.
Molecular consequence: missense variant.
Genome position (GRCh38, 1-based): chr7:66,638,964, C>A. VCF-style: chr7-66638964-C-A. GRCh37 (hg19) VCF-style: chr7-66103951-C-A.
Other names: c.602C>A, p.Pro201His (NM_001167961.2); short protein forms P201H.
Identifiers: ClinVar variation 4293014 (VCV004293014.1).